The following is an entry in ClinVar:

ClinVar aggregate classification (germline): Likely benign. Review status: criteria provided, multiple submitters, no conflicts (2 of 4 stars). 2 submissions from 2 submitters: Likely benign (2). Last evaluated 2024-02-28.

Conditions:
Multiple acyl-CoA dehydrogenase deficiency (MADD). Also called: Glutaric aciduria, type 2; Glutaric acidemia type II; GA 2; ETHYLMALONIC-ADIPICACIDURIA; GA II; Glutaric Acidemia type 2. Identifiers: Orphanet 26791, MedGen C0268596, MONDO:0009282, OMIM 231680.

Allele frequency attached by ClinVar (database versions not stated): gnomAD exomes below 0.00001; gnomAD 0.00001; TOPMed 0.00001.

Submissions (2):

Labcorp Genetics (formerly Invitae), Labcorp
Classification: Likely benign for Multiple acyl-CoA dehydrogenase deficiency. Last evaluated: 2024-02-28. Review status: criteria provided, single submitter. Criteria: Invitae Variant Classification Sherloc (09022015). Collection method: clinical testing. Allele origin: germline.

CeGaT Center for Human Genetics Tuebingen
Classification: Likely benign. Last evaluated: 2024-02-01. Review status: criteria provided, single submitter. Criteria: CeGaT Center For Human Genetics Tuebingen Variant Classification Criteria Version 2. Collection method: clinical testing. Allele origin: germline. Affected: yes. Observed: 1 variant allele.
Comment: ETFDH: BP4, BP7

NM_004453.4(ETFDH):c.768A>G (p.Leu256=)

Gene: ETFDH (electron transfer flavoprotein dehydrogenase; plus strand). Cytogenetic location: 4q32.1.
Variant type: single nucleotide variant.
Coding change: c.768A>G on transcript NM_004453.4 (MANE Select); coding-DNA position 768, A replaced by G.
Protein change: p.Leu256=; no amino-acid change (leucine 256 retained).
Molecular consequence: synonymous variant.
Genome position (GRCh38, 1-based): chr4:158,695,580, A>G. VCF-style: chr4-158695580-A-G. GRCh37 (hg19) VCF-style: chr4-159616732-A-G.
Other names: c.627A>G, p.Leu209= (NM_001281737.2); c.585A>G, p.Leu195= (NM_001281738.1).
Identifiers: ClinVar variation 1632045 (VCV001632045.30), dbSNP rs1481843055, ClinGen allele CA442138113.